The following is an entry in ClinVar:

NM_005732.4(RAD50):c.3893A>G (p.Glu1298Gly)

Genes: RAD50 (RAD50 double strand break repair protein; plus strand), TH2LCRR (T helper type 2 locus control region associated RNA; minus strand). Cytogenetic location: 5q31.1.
Variant type: single nucleotide variant.
Coding change: c.3893A>G on transcript NM_005732.4 (MANE Select); coding-DNA position 3893, A replaced by G.
Protein change: p.Glu1298Gly; replaces glutamic acid 1298 with glycine.
Molecular consequence: missense variant.
Genome position (GRCh38, 1-based): chr5:132,642,318, A>G. VCF-style: chr5-132642318-A-G. GRCh37 (hg19) VCF-style: chr5-131978010-A-G.
Other names: short protein forms E1298G.
Identifiers: ClinVar variation 639335 (VCV000639335.9), dbSNP rs1581025186, ClinGen allele CA360937285.

ClinVar aggregate classification (germline): Uncertain significance (1 of 4 stars; one submission).

Conditions:
Hereditary cancer-predisposing syndrome. Also called: Neoplastic Syndromes, Hereditary; Tumor predisposition; Hereditary Cancer Syndrome; Hereditary neoplastic syndrome. Identifiers: Orphanet 140162, MedGen C0027672, MeSH D009386, MONDO:0015356.

Submission:

Labcorp Genetics (formerly Invitae), Labcorp
Classification: Uncertain significance for Hereditary cancer-predisposing syndrome. Last evaluated: 2018-11-13. Review status: criteria provided, single submitter. Criteria: Invitae Variant Classification Sherloc (09022015). Collection method: clinical testing. Allele origin: germline.
Comment: In summary, the available evidence is currently insufficient to determine the role of this variant in disease. Therefore, it has been classified as a Variant of Uncertain Significance. Algorithms developed to predict the effect of missense changes on protein structure and function (SIFT, PolyPhen-2, Align-GVGD) all suggest that this variant is likely to be tolerated, but these predictions have not been confirmed by published functional studies and their clinical significance is uncertain. This variant has not been reported in the literature in individuals with RAD50-related disease. This variant is not present in population databases (ExAC no frequency). This sequence change replaces glutamic acid with glycine at codon 1298 of the RAD50 protein (p.Glu1298Gly). The glutamic acid residue is moderately conserved and there is a moderate physicochemical difference between glutamic acid and glycine.